The following is an entry in ClinVar:

ClinVar aggregate classification (germline): Likely pathogenic (1 of 4 stars; one submission).

Conditions:
Supravalvar aortic stenosis (SVAS). Also called: Supravalvar aortic stenosis, Eisenberg type. Identifiers: Orphanet 3193, MedGen C0003499, MONDO:0008504, OMIM 185500, HP:0004381.

Submission:

Labcorp Genetics (formerly Invitae), Labcorp
Classification: Likely pathogenic for Supravalvar aortic stenosis. Last evaluated: 2018-12-27. Review status: criteria provided, single submitter. Criteria: Invitae Variant Classification Sherloc (09022015). Collection method: clinical testing. Allele origin: germline.
Comment: In summary, the currently available evidence indicates that the variant is pathogenic, but additional data are needed to prove that conclusively. Therefore, this variant has been classified as Likely Pathogenic. Donor and acceptor splice site variants typically lead to a loss of protein function (PMID: 16199547), and loss-of-function variants in ELN are known to be pathogenic (PMID: 11175284). Algorithms developed to predict the effect of sequence changes on RNA splicing suggest that this variant may disrupt the consensus splice site, but this prediction has not been confirmed by published transcriptional studies. This variant is not present in population databases (ExAC no frequency). This sequence change affects an acceptor splice site in intron 13 of the ELN gene. It is expected to disrupt RNA splicing and likely results in an absent or disrupted protein product.

Literature cited by the submitters: PubMed 16199547; PubMed 11175284.

NM_000501.4(ELN):c.686-1G>A

Gene: ELN (elastin; plus strand). Cytogenetic location: 7q11.23.
Variant type: single nucleotide variant.
Coding change: c.686-1G>A on transcript NM_000501.4 (MANE Select); the canonical splice acceptor site of the intron before coding-DNA position 686, G replaced by A.
Molecular consequence: splice acceptor variant.
Genome position (GRCh38, 1-based): chr7:74,048,141, G>A. VCF-style: chr7-74048141-G-A. GRCh37 (hg19) VCF-style: chr7-73462471-G-A.
Other names: c.701-1G>A (NM_001081754.3, NM_001081753.3); c.686-1G>A (NM_001278939.2, NM_001278915.2, NM_001278912.2 and 1 more transcripts); c.644-1G>A (NM_001278916.2); c.578-1G>A (NM_001278913.2); c.671-1G>A (NM_001278914.2); c.656-1G>A (NM_001278917.2, NM_001081752.3); c.554-1G>A (NM_001278918.2).
Identifiers: ClinVar variation 644475 (VCV000644475.9), dbSNP rs1583818183, ClinGen allele CA367870456.